The following is an entry in ClinVar:

NM_001287.6(CLCN7):c.1534G>A (p.Gly512Arg)

Gene: CLCN7 (Cl-/H+ antiporter 7; minus strand). Cytogenetic location: 16p13.3.
Variant type: single nucleotide variant.
Coding change: c.1534G>A on transcript NM_001287.6 (MANE Select); coding-DNA position 1534, G replaced by A.
Protein change: p.Gly512Arg; replaces glycine 512 with arginine.
Molecular consequence: missense variant.
Genome position (GRCh38, 1-based): chr16:1,450,580, C>T on the plus strand (G>A on the coding strand, the complement: CLCN7 is on the minus strand). VCF-style: chr16-1450580-C-T. GRCh37 (hg19) VCF-style: chr16-1500581-C-T.
Other names: c.1462G>A, p.Gly488Arg (NM_001114331.3); short protein forms G488R, G512R.
Identifiers: ClinVar variation 1468467 (VCV001468467.7), dbSNP rs763164345, ClinGen allele CA7810186.

ClinVar aggregate classification (germline): Uncertain significance. Review status: criteria provided, multiple submitters, no conflicts (2 of 4 stars). 2 submissions from 2 submitters: Uncertain significance (2). Last evaluated 2024-05-29.

Conditions:
Autosomal recessive osteopetrosis 4. Also called: infantile malignant CLCN7-related recessive osteopetrosis; CLCN7-Related Osteopetrosis. Identifiers: Orphanet 667, MedGen C1969106, MONDO:0012676, OMIM 611490.

Allele frequency attached by ClinVar (database versions not stated): ExAC 0.00001; gnomAD 0.00001; gnomAD exomes 0.00001.
gnomAD v4.1: 8 of 1,612,128 alleles (0.0005%); highest among the groups gnomAD compares: Middle Eastern, 0.016%; no homozygotes.

Submissions (2):

Labcorp Genetics (formerly Invitae), Labcorp
Classification: Uncertain significance. Last evaluated: 2024-05-29. Review status: criteria provided, single submitter. Criteria: Invitae Variant Classification Sherloc (09022015). Collection method: clinical testing. Allele origin: germline.
Comment: This sequence change replaces glycine, which is neutral and non-polar, with arginine, which is basic and polar, at codon 512 of the CLCN7 protein (p.Gly512Arg). This variant is present in population databases (rs763164345, gnomAD 0.005%). This variant has not been reported in the literature in individuals affected with CLCN7-related conditions. ClinVar contains an entry for this variant (Variation ID: 1468467). Advanced modeling of protein sequence and biophysical properties (such as structural, functional, and spatial information, amino acid conservation, physicochemical variation, residue mobility, and thermodynamic stability) performed at Invitae indicates that this missense variant is expected to disrupt CLCN7 protein function with a positive predictive value of 95%. In summary, the available evidence is currently insufficient to determine the role of this variant in disease. Therefore, it has been classified as a Variant of Uncertain Significance.

3billion
Classification: Uncertain significance for Autosomal recessive osteopetrosis 4. Last evaluated: 2023-10-08. Review status: criteria provided, single submitter. Criteria: ACMG Guidelines, 2015. Collection method: clinical testing. Allele origin: germline. Affected: yes.
Comment: The variant is observed at an extremely low frequency in the gnomAD v2.1.1 dataset (total allele frequency: 0.001%). Predicted Consequence/Location: Missense variant In silico tool predictions suggest damaging effect of the variant on gene or gene product [REVEL: 0.97 (>=0.6, sensitivity 0.68 and specificity 0.92); 3Cnet: 0.62 (>=0.6, sensitivity 0.72 and precision 0.9)]. Therefore, this variant is classified as VUS according to the recommendation of ACMG/AMP guideline.